The following is an entry in ClinVar:

ClinVar aggregate classification (germline): Likely benign. Review status: criteria provided, multiple submitters, no conflicts (2 of 4 stars). 2 submissions from 2 submitters: Likely benign (2). Last evaluated 2025-05-28.

Allele frequency attached by ClinVar (database versions not stated): gnomAD exomes below 0.00001; gnomAD 0.00001; TOPMed 0.00002.
gnomAD v4.1: 4 of 1,613,270 alleles (0.00025%); highest among the groups gnomAD compares: African/African-American, 0.0027%; 1 homozygote.

Submissions (2):

Women's Health and Genetics/Laboratory Corporation of America, LabCorp
Classification: Likely benign. Last evaluated: 2025-05-28. Review status: criteria provided, single submitter. Criteria: LabCorp Variant Classification Summary - May 2015. Collection method: clinical testing. Allele origin: germline.
Comment: Variant summary: CLTC c.4992T>C results in a synonymous change. Several computational tools predict a significant impact on normal splicing: One predicts the variant strengthens a cryptic 5' donor site. One predicts the variant creates a cryptic 5' donor site. However, these predictions have yet to be confirmed by functional studies. The variant was absent in 250196 control chromosomes. The available data on variant occurrences in the general population are insufficient to allow any conclusion about variant significance. To our knowledge, no occurrence of c.4992T>C in individuals affected with Intellectual Disability, Autosomal Dominant 56 and no experimental evidence demonstrating its impact on protein function have been reported. ClinVar contains an entry for this variant (Variation ID: 1967498). Based on the evidence outlined above, the variant was classified as likely benign.

Labcorp Genetics (formerly Invitae), Labcorp
Classification: Likely benign. Last evaluated: 2025-02-03. Review status: criteria provided, single submitter. Criteria: Invitae Variant Classification Sherloc (09022015). Collection method: clinical testing. Allele origin: germline.

NM_004859.4(CLTC):c.4992T>C (p.Tyr1664=)

Gene: CLTC (clathrin heavy chain; plus strand). Cytogenetic location: 17q23.1.
Variant type: single nucleotide variant.
Coding change: c.4992T>C on transcript NM_004859.4 (MANE Select); coding-DNA position 4992, T replaced by C.
Protein change: p.Tyr1664=; no amino-acid change (tyrosine 1664 retained).
Molecular consequence: synonymous variant.
Genome position (GRCh38, 1-based): chr17:59,693,816, T>C. VCF-style: chr17-59693816-T-C. GRCh37 (hg19) VCF-style: chr17-57771177-T-C.
Other names: c.5004T>C, p.Tyr1668= (NM_001288653.2).
Identifiers: ClinVar variation 1967498 (VCV001967498.6), dbSNP rs76202477, ClinGen allele CA501094265.
Genomic context (GRCh38, chr17:59,693,816, plus strand): 5'-ACCCAGTGTTGCCGTCCCTCCCCAGGCACCTTTTGGTTATGGTTATACCGCACCACCGTA[T>C]GGACAGCCACAGCCTGGCTTTGGGTACAGCATGTGAGATGAAGCGCTGATCCTGTAGTCA-3'
Protein context (NP_004850.1, residues 1654-1674): PFGYGYTAPP[Tyr1664=]GQPQPGFGYS